The following is an entry in ClinVar:

ClinVar aggregate classification (germline): Likely pathogenic. Review status: criteria provided, single submitter (1 of 4 stars). 2 submissions from 2 submitters: Likely pathogenic (1). 1 of the submissions does not count toward it. Last evaluated 2016-06-23.

Conditions:
POGZ-related disorder. Also called: POGZ-related condition.

Allele frequency attached by ClinVar (database versions not stated): TOPMed below 0.00001; gnomAD exomes 0.00001.

Submissions (2):

GeneDx
Classification: Likely pathogenic. Last evaluated: 2016-06-23. Review status: criteria provided, single submitter. Criteria: GeneDx Variant Classification (06012015). Collection method: clinical testing. Allele origin: germline. Affected: yes.
Comment: The R306Q variant in the POGZ gene has not been reported previously as a pathogenic variant, nor as a benign variant, to our knowledge. This variant was not observed in approximately 6500 individuals of European and African American ancestry in the NHLBI Exome Sequencing Project, indicating it is not a common benign variant in these populations. The R306Q variant is a semi-conservative amino acid substitution, which may impact secondary protein structure as these residues differ in some properties. This substitution occurs at a position that is conserved across species. In silico analysis is inconsistent in its predictions as to whether or not the variant is damaging to the protein structure/function. The R306Q variant is a strong candidate for a pathogenic variant, however the possibility it may be a rare benign variant cannot be excluded.

PreventionGenetics, part of Exact Sciences
Classification: Uncertain significance for POGZ-related condition. Last evaluated: 2024-08-03. Review status: no assertion criteria provided. Collection method: clinical testing. Allele origin: germline. Not counted in ClinVar's aggregate classification.
Comment: The POGZ c.917G>A variant is predicted to result in the amino acid substitution p.Arg306Gln. To our knowledge, this variant has not been reported in the literature. This variant is reported in 0.0062% of alleles in individuals of African descent in gnomAD. At this time, the clinical significance of this variant is uncertain due to the absence of conclusive functional and genetic evidence.

NM_015100.4(POGZ):c.917G>A (p.Arg306Gln)

Gene: POGZ (pogo transposable element derived with ZNF domain; minus strand). Cytogenetic location: 1q21.3.
Variant type: single nucleotide variant.
Coding change: c.917G>A on transcript NM_015100.4 (MANE Select); coding-DNA position 917, G replaced by A.
Protein change: p.Arg306Gln; replaces arginine 306 with glutamine.
Molecular consequence: missense variant.
Genome position (GRCh38, 1-based): chr1:151,427,984, C>T on the plus strand (G>A on the coding strand, the complement: POGZ is on the minus strand). VCF-style: chr1-151427984-C-T. GRCh37 (hg19) VCF-style: chr1-151400460-C-T.
Other names: c.890G>A, p.Arg297Gln (NM_001194937.2); c.731G>A, p.Arg244Gln (NM_001194938.2); c.632G>A, p.Arg211Gln (NM_145796.4); c.758G>A, p.Arg253Gln (NM_207171.2); short protein forms R306Q, R244Q, R297Q, R211Q, R253Q.
Identifiers: ClinVar variation 372978 (VCV000372978.2), dbSNP rs1057518113, ClinGen allele CA16042298.